The following is an entry in ClinVar:

ClinVar aggregate classification (germline): Uncertain significance (1 of 4 stars; one submission).

Conditions:
Primary ciliary dyskinesia. Also called: Ciliary dyskinesia. Identifiers: Orphanet 244, MedGen C0008780, MONDO:0016575, HP:0012265.

Allele frequency attached by ClinVar (database versions not stated): gnomAD exomes below 0.00001; TOPMed below 0.00001.
gnomAD v4.1: 4 of 1,614,186 alleles (0.00025%); highest among the groups gnomAD compares: Admixed American, 0.0017%; no homozygotes.

Submission:

Labcorp Genetics (formerly Invitae), Labcorp
Classification: Uncertain significance for Primary ciliary dyskinesia. Last evaluated: 2023-08-10. Review status: criteria provided, single submitter. Criteria: Invitae Variant Classification Sherloc (09022015). Collection method: clinical testing. Allele origin: germline.
Comment: In summary, the available evidence is currently insufficient to determine the role of this variant in disease. Therefore, it has been classified as a Variant of Uncertain Significance. Advanced modeling of protein sequence and biophysical properties (such as structural, functional, and spatial information, amino acid conservation, physicochemical variation, residue mobility, and thermodynamic stability) performed at Invitae indicates that this missense variant is not expected to disrupt ZMYND10 protein function. ClinVar contains an entry for this variant (Variation ID: 2188303). This variant has not been reported in the literature in individuals affected with ZMYND10-related conditions. This variant is not present in population databases (gnomAD no frequency). This sequence change replaces threonine, which is neutral and polar, with isoleucine, which is neutral and non-polar, at codon 119 of the ZMYND10 protein (p.Thr119Ile).

NM_015896.4(ZMYND10):c.356C>T (p.Thr119Ile)

Gene: ZMYND10 (zinc finger MYND-type containing 10; minus strand). Cytogenetic location: 3p21.31.
Variant type: single nucleotide variant.
Coding change: c.356C>T on transcript NM_015896.4 (MANE Select); coding-DNA position 356, C replaced by T.
Protein change: p.Thr119Ile; replaces threonine 119 with isoleucine.
Molecular consequence: missense variant.
Genome position (GRCh38, 1-based): chr3:50,343,579, G>A on the plus strand (C>T on the coding strand, the complement: ZMYND10 is on the minus strand). VCF-style: chr3-50343579-G-A. GRCh37 (hg19) VCF-style: chr3-50381010-G-A.
Other names: c.356C>T, p.Thr119Ile (NM_001308379.2); short protein forms T119I.
Identifiers: ClinVar variation 2188303 (VCV002188303.4), dbSNP rs1352736044, ClinGen allele CA352943403.
Genomic context (GRCh38, chr3:50,343,579, plus strand): 5'-CCCTGACCCGGAACTGTGGCCCATGGGCAGAGATAGTCCCTCACCTTGTGGAAGAACACT[G>A]TCTCCAAGAGGTTGATGATGGAGGCCTCGTGGTGCACCTGTCAGATAAAGAGAAGGACAG-3'
Protein context (NP_056980.2, residues 109-129): HEASIINLLE[Thr119Ile]VFFHKEVCES